The following is an entry in ClinVar:

NM_001830.4(CLCN4):c.603G>C (p.Lys201Asn)

Gene: CLCN4 (chloride voltage-gated channel 4; plus strand). Cytogenetic location: Xp22.2.
Variant type: single nucleotide variant.
Coding change: c.603G>C on transcript NM_001830.4 (MANE Select); coding-DNA position 603, G replaced by C.
Protein change: p.Lys201Asn; replaces lysine 201 with asparagine.
Molecular consequence: missense variant.
Genome position (GRCh38, 1-based): chrX:10,206,405, G>C. VCF-style: chrX-10206405-G-C. GRCh37 (hg19) VCF-style: chrX-10174445-G-C.
Other names: c.321G>C, p.Lys107Asn (NM_001256944.2); short protein forms K107N, K201N.
Identifiers: ClinVar variation 2708685 (VCV002708685.3), dbSNP rs2518884244, ClinGen allele CA412036461.

ClinVar aggregate classification (germline): Uncertain significance (1 of 4 stars; one submission).

Submission:

Labcorp Genetics (formerly Invitae), Labcorp
Classification: Uncertain significance. Last evaluated: 2024-01-10. Review status: criteria provided, single submitter. Criteria: Invitae Variant Classification Sherloc (09022015). Collection method: clinical testing. Allele origin: germline.
Comment: This sequence change replaces lysine, which is basic and polar, with asparagine, which is neutral and polar, at codon 201 of the CLCN4 protein (p.Lys201Asn). This variant is not present in population databases (gnomAD no frequency). This variant has not been reported in the literature in individuals affected with CLCN4-related conditions. Advanced modeling of protein sequence and biophysical properties (such as structural, functional, and spatial information, amino acid conservation, physicochemical variation, residue mobility, and thermodynamic stability) performed at Invitae indicates that this missense variant is expected to disrupt CLCN4 protein function with a positive predictive value of 95%. In summary, the available evidence is currently insufficient to determine the role of this variant in disease. Therefore, it has been classified as a Variant of Uncertain Significance.